The following is an entry in ClinVar:

ClinVar aggregate classification (germline): Uncertain significance. Review status: criteria provided, multiple submitters, no conflicts (2 of 4 stars). 2 submissions from 2 submitters: Uncertain significance (2). Last evaluated 2023-03-07.

Conditions:
Inborn genetic diseases. Identifiers: MedGen C0950123, MeSH D030342.

Allele frequency attached by ClinVar (database versions not stated): ESP Exome Variant Server 0.00015.
gnomAD v4.1: 24 of 1,613,946 alleles (0.0015%); highest among the groups gnomAD compares: Non-Finnish European, 0.00017%; no homozygotes.

Submissions (2):

Ambry Genetics
Classification: Uncertain significance for Inborn genetic diseases. Last evaluated: 2023-03-07. Review status: criteria provided, single submitter. Criteria: Ambry Variant Classification Scheme 2023. Collection method: clinical testing. Allele origin: germline.

Labcorp Genetics (formerly Invitae), Labcorp
Classification: Uncertain significance. Last evaluated: 2022-10-07. Review status: criteria provided, single submitter. Criteria: Invitae Variant Classification Sherloc (09022015). Collection method: clinical testing. Allele origin: germline.
Comment: This sequence change replaces arginine, which is basic and polar, with serine, which is neutral and polar, at codon 151 of the LMX1B protein (p.Arg151Ser). This variant is present in population databases (rs149434820, gnomAD 0.04%). This variant has not been reported in the literature in individuals affected with LMX1B-related conditions. Advanced modeling of protein sequence and biophysical properties (such as structural, functional, and spatial information, amino acid conservation, physicochemical variation, residue mobility, and thermodynamic stability) performed at Invitae indicates that this missense variant is not expected to disrupt LMX1B protein function. In summary, the available evidence is currently insufficient to determine the role of this variant in disease. Therefore, it has been classified as a Variant of Uncertain Significance.

NM_001174147.2(LMX1B):c.451C>A (p.Arg151Ser)

Gene: LMX1B (LIM homeobox transcription factor 1 beta; plus strand). Cytogenetic location: 9q33.3.
Variant type: single nucleotide variant.
Coding change: c.451C>A on transcript NM_001174147.2 (MANE Select); coding-DNA position 451, C replaced by A.
Protein change: p.Arg151Ser; replaces arginine 151 with serine.
Molecular consequence: missense variant.
Genome position (GRCh38, 1-based): chr9:126,690,960, C>A. VCF-style: chr9-126690960-C-A. GRCh37 (hg19) VCF-style: chr9-129453239-C-A.
Other names: c.451C>A (NM_002316.3); c.451C>A, p.Arg151Ser (NM_001174146.2, NM_002316.4); short protein forms R151S.
Identifiers: ClinVar variation 1935237 (VCV001935237.7), dbSNP rs149434820, ClinGen allele CA5242313.